The following is an entry in ClinVar:

ClinVar aggregate classification (germline): Conflicting classifications of pathogenicity. Review status: criteria provided, conflicting classifications (1 of 4 stars). 3 submissions from 3 submitters: Pathogenic (2); Uncertain significance (1). Last evaluated 2023-05-23.

Conditions:
Niemann-Pick disease, type C1. Also called: NEUROVISCERAL STORAGE DISEASE WITH VERTICAL SUPRANUCLEAR OPHTHALMOPLEGIA; NIEMANN-PICK DISEASE WITH CHOLESTEROL ESTERIFICATION BLOCK; NIEMANN-PICK DISEASE WITHOUT SPHINGOMYELINASE DEFICIENCY; NIEMANN-PICK DISEASE, CHRONIC NEURONOPATHIC FORM; NIEMANN-PICK DISEASE, VARIANT TYPE C1. Identifiers: Orphanet 646, MedGen C3179455, MONDO:0009757, OMIM 257220.

Allele frequency attached by ClinVar (database versions not stated): gnomAD exomes below 0.00001.

Submissions (3):

Blueprint Genetics
Classification: Uncertain significance. Last evaluated: 2023-05-23. Review status: criteria provided, single submitter. Criteria: ACMG Guidelines, 2015. Collection method: clinical testing. Allele origin: germline.

Labcorp Genetics (formerly Invitae), Labcorp
Classification: Pathogenic for Niemann-Pick disease, type C1. Last evaluated: 2023-01-07. Review status: criteria provided, single submitter. Criteria: Invitae Variant Classification Sherloc (09022015). Collection method: clinical testing. Allele origin: germline.
Comment: For these reasons, this variant has been classified as Pathogenic. Algorithms developed to predict the effect of missense changes on protein structure and function (SIFT, PolyPhen-2, Align-GVGD) all suggest that this variant is likely to be tolerated. This missense change has been observed in individual(s) with Niemann-Pick type C (PMID: 11349231, 11479732, 28105569, 31139477). In at least one individual the data is consistent with being in trans (on the opposite chromosome) from a pathogenic variant. This variant is not present in population databases (gnomAD no frequency). This sequence change replaces glutamine, which is neutral and polar, with arginine, which is basic and polar, at codon 92 of the NPC1 protein (p.Gln92Arg).

Neuberg Centre For Genomic Medicine, NCGM
Classification: Pathogenic for Niemann-Pick disease, type C1. Review status: criteria provided, single submitter. Criteria: ACMG Guidelines, 2015. Collection method: clinical testing. Allele origin: germline. Inheritance: Autosomal recessive inheritance. Affected: yes.
Comment: The missense variant c.275A>G p.Gln92Arg in the NPC1 gene has been reported previously in homozygous state in individuals affected with Niemann-Pick Type C. Experimental studies have shown that this missense change affects protein function Petukh et al., 2018; Mavridou et al., 2017. This variant is novel not in any individuals in gnomAD Exomes and 1000 Genomes. It is submitted to ClinVar as Pathogenic. The amino acid Glutamine at position 92 is changed to a Arginine changing protein sequence and it might alter its composition and physico-chemical properties. The variant is predicted as damaging by SIFT. The amino acid change p.Gln92Arg in NPC1 is predicted as conserved by GERP++ and PhyloP across 100 vertebrates. For these reasons, this variant has been classified as Pathogenic.

Literature cited by the submitters: PubMed 11349231 (cited by Labcorp Genetics (formerly Invitae), Labcorp); PubMed 11479732 (cited by Labcorp Genetics (formerly Invitae), Labcorp); PubMed 28105569 (cited by Labcorp Genetics (formerly Invitae), Labcorp); PubMed 31139477 (cited by Labcorp Genetics (formerly Invitae), Labcorp).

NM_000271.5(NPC1):c.275A>G (p.Gln92Arg)

Gene: NPC1 (NPC intracellular cholesterol transporter 1; minus strand). Cytogenetic location: 18q11.2.
Variant type: single nucleotide variant.
Coding change: c.275A>G on transcript NM_000271.5 (MANE Select); coding-DNA position 275, A replaced by G.
Protein change: p.Gln92Arg; replaces glutamine 92 with arginine.
Molecular consequence: missense variant.
Genome position (GRCh38, 1-based): chr18:23,572,086, T>C on the plus strand (A>G on the coding strand, the complement: NPC1 is on the minus strand). VCF-style: chr18-23572086-T-C. GRCh37 (hg19) VCF-style: chr18-21152050-T-C.
Other names: short protein forms Q92R.
Identifiers: ClinVar variation 2138138 (VCV002138138.6), dbSNP rs2145544354, ClinGen allele CA401786362.
Genomic context (GRCh38, chr18:23,572,086, plus strand): 5'-TCACAAGTATCTACAGCCCAGTTGTTCTGTTTCCCCAGCAGAACCTACCTGGACAGAAAC[T>C]GTAGAGGCAGCTGCAGGTTGTCTTTTAGTGTCTGAAGCTGCCGAACATCACAACAGAGAC-3'
Protein context (NP_000262.2, residues 82-102): TLKDNLQLPL[Gln92Arg]FLSRCPSCFY